The following is an entry in ClinVar:

ClinVar aggregate classification (germline): Uncertain significance (1 of 4 stars; one submission).

Conditions:
Cardiovascular phenotype. Identifiers: MedGen CN230736.

Submission:

Ambry Genetics
Classification: Uncertain significance for Cardiovascular phenotype. Last evaluated: 2021-11-02. Review status: criteria provided, single submitter. Criteria: Ambry Variant Classification Scheme 2023. Collection method: clinical testing. Allele origin: germline.
Comment: The p.Q80E variant (also known as c.238C>G), located in coding exon 1 of the CYP27A1 gene, results from a C to G substitution at nucleotide position 238. The glutamine at codon 80 is replaced by glutamic acid, an amino acid with highly similar properties. This amino acid position is conserved. In addition, this alteration is predicted to be tolerated by in silico analysis. Since supporting evidence is limited at this time, the clinical significance of this alteration remains unclear.

NM_000784.4(CYP27A1):c.238C>G (p.Gln80Glu)

Gene: CYP27A1 (cytochrome P450 family 27 subfamily A member 1; plus strand). Cytogenetic location: 2q35.
Variant type: single nucleotide variant.
Coding change: c.238C>G on transcript NM_000784.4 (MANE Select); coding-DNA position 238, C replaced by G.
Protein change: p.Gln80Glu; replaces glutamine 80 with glutamic acid.
Molecular consequence: missense variant.
Genome position (GRCh38, 1-based): chr2:218,782,420, C>G. VCF-style: chr2-218782420-C-G. GRCh37 (hg19) VCF-style: chr2-219647143-C-G.
Other names: short protein forms Q80E.
Identifiers: ClinVar variation 1790539 (VCV001790539.2), dbSNP rs1943401478, ClinGen allele CA350576983.